The following is an entry in ClinVar:

ClinVar aggregate classification (germline): Uncertain significance (1 of 4 stars; one submission).

Conditions:
Primary ciliary dyskinesia. Also called: Ciliary dyskinesia. Identifiers: Orphanet 244, MedGen C0008780, MONDO:0016575, HP:0012265.

Submission:

Labcorp Genetics (formerly Invitae), Labcorp
Classification: Uncertain significance for Primary ciliary dyskinesia. Last evaluated: 2024-10-29. Review status: criteria provided, single submitter. Criteria: Invitae Variant Classification Sherloc (09022015). Collection method: clinical testing. Allele origin: germline.
Comment: This sequence change affects codon 644 of the DNAAF5 mRNA. It is a 'silent' change, meaning that it does not change the encoded amino acid sequence of the DNAAF5 protein. This variant also falls at the last nucleotide of exon 9, which is part of the consensus splice site for this exon. This variant is not present in population databases (gnomAD no frequency). This variant has not been reported in the literature in individuals affected with DNAAF5-related conditions. An algorithm developed to predict the effect of missense changes on protein structure and function (PolyPhen-2) suggests that this variant is likely to be disruptive. Variants that disrupt the consensus splice site are a relatively common cause of aberrant splicing (PMID: 17576681, 9536098). Algorithms developed to predict the effect of sequence changes on RNA splicing suggest that this variant may disrupt the consensus splice site. In summary, the available evidence is currently insufficient to determine the role of this variant in disease. Therefore, it has been classified as a Variant of Uncertain Significance.

Literature cited by the submitters: PubMed 17576681; PubMed 9536098.

NM_017802.4(DNAAF5):c.1931G>C (p.Gly644Ala)

Gene: DNAAF5 (dynein axonemal assembly factor 5; plus strand). Cytogenetic location: 7p22.3.
Variant type: single nucleotide variant.
Coding change: c.1931G>C on transcript NM_017802.4 (MANE Select); coding-DNA position 1931, G replaced by C.
Protein change: p.Gly644Ala; replaces glycine 644 with alanine.
Molecular consequence: missense variant. On other transcripts: non-coding transcript variant (1).
Genome position (GRCh38, 1-based): chr7:770,618, G>C. VCF-style: chr7-770618-G-C. GRCh37 (hg19) VCF-style: chr7-810255-G-C.
Other names: short protein forms G644A.
Identifiers: ClinVar variation 2724118 (VCV002724118.2), dbSNP rs1474459920, ClinGen allele CA366543413.